The following is an entry in ClinVar:

ClinVar aggregate classification (germline): Uncertain significance (1 of 4 stars; one submission).

Allele frequency attached by ClinVar (database versions not stated): gnomAD exomes 0.00001 and 0.00002; ExAC 0.00002; ESP Exome Variant Server 0.00010; gnomAD 0.00004 and 0.00005; TOPMed 0.00005.
gnomAD v4.1: 17 of 1,613,672 alleles (0.0011%); highest among the groups gnomAD compares: African/African-American, 0.0093%; no homozygotes.

Submission:

Labcorp Genetics (formerly Invitae), Labcorp
Classification: Uncertain significance. Last evaluated: 2023-05-23. Review status: criteria provided, single submitter. Criteria: Invitae Variant Classification Sherloc (09022015). Collection method: clinical testing. Allele origin: germline.
Comment: In summary, the available evidence is currently insufficient to determine the role of this variant in disease. Therefore, it has been classified as a Variant of Uncertain Significance. Algorithms developed to predict the effect of sequence changes on RNA splicing suggest that this variant is not likely to affect RNA splicing. Experimental studies and prediction algorithms are not available or were not evaluated, and the functional significance of this variant is currently unknown. ClinVar contains an entry for this variant (Variation ID: 1658765). This variant has not been reported in the literature in individuals affected with TCF3-related conditions. This variant is present in population databases (rs369863851, gnomAD 0.01%). This sequence change replaces leucine, which is neutral and non-polar, with phenylalanine, which is neutral and non-polar, at codon 577 of the TCF3 protein (p.Leu577Phe). The TCF3 gene has multiple clinically relevant transcripts. This variant occurs in alternate transcript NM_001136139.3, and corresponds to NM_003200.4:c.1823-442C>T in the primary transcript.

NM_001136139.4(TCF3):c.1729C>T (p.Leu577Phe)

Gene: TCF3 (transcription factor 3; minus strand). Cytogenetic location: 19p13.3.
Variant type: single nucleotide variant.
Coding change: c.1729C>T on transcript NM_001136139.4 (MANE Plus Clinical); coding-DNA position 1729, C replaced by T.
Protein change: p.Leu577Phe; replaces leucine 577 with phenylalanine.
Molecular consequence: missense variant. On other transcripts: intron variant (2).
Genome position (GRCh38, 1-based): chr19:1,612,291, G>A on the plus strand (C>T on the coding strand, the complement: TCF3 is on the minus strand). VCF-style: chr19-1612291-G-A. GRCh37 (hg19) VCF-style: chr19-1612290-G-A.
Other names: c.1729C>T, p.Leu577Phe (NM_001351779.2); c.1820-442C>T (NM_001351778.2); c.1823-442C>T (NM_003200.5); short protein forms L577F.
Identifiers: ClinVar variation 1658765 (VCV001658765.8), dbSNP rs369863851, ClinGen allele CA9049575.